The following is an entry in ClinVar:

NM_020361.5(CPA6):c.125T>C (p.Val42Ala)

Gene: CPA6 (carboxypeptidase A6; minus strand). Cytogenetic location: 8q13.2.
Variant type: single nucleotide variant.
Coding change: c.125T>C on transcript NM_020361.5 (MANE Select); coding-DNA position 125, T replaced by C.
Protein change: p.Val42Ala; replaces valine 42 with alanine.
Molecular consequence: missense variant.
Genome position (GRCh38, 1-based): chr8:67,624,243, A>G on the plus strand (T>C on the coding strand, the complement: CPA6 is on the minus strand). VCF-style: chr8-67624243-A-G. GRCh37 (hg19) VCF-style: chr8-68536478-A-G.
Other names: short protein forms V42A.
Identifiers: ClinVar variation 539977 (VCV000539977.10), dbSNP rs1554526426, ClinGen allele CA371262125.
Genomic context (GRCh38, chr8:67,624,243, plus strand): 5'-TGATAGGATATTTTCTTCAGTGCATATGCTTCCTCTTCTGTTTTGGGAATAAATCTTATC[A>G]CTTTATCACTACAAGATAAGAAAAGAAAGATGATAATTACTTTTCGAAAATAAAGATATT-3'
Protein context (NP_065094.3, residues 32-52): LYNNRYAGDK[Val42Ala]IRFIPKTEEE

ClinVar aggregate classification (germline): Uncertain significance (1 of 4 stars; one submission).

Conditions:
Febrile seizures, familial, 11 (FEB11). Also called: CONVULSIONS, FAMILIAL FEBRILE, 11. Identifiers: MedGen C3280734, MONDO:0024566, OMIM 614418.

Allele frequency attached by ClinVar (database versions not stated): TOPMed below 0.00001.

Submission:

Labcorp Genetics (formerly Invitae), Labcorp
Classification: Uncertain significance for Febrile seizures, familial, 11. Last evaluated: 2022-07-19. Review status: criteria provided, single submitter. Criteria: Invitae Variant Classification Sherloc (09022015). Collection method: clinical testing. Allele origin: germline.
Comment: Algorithms developed to predict the effect of missense changes on protein structure and function are either unavailable or do not agree on the potential impact of this missense change (SIFT: "Deleterious"; PolyPhen-2: "Benign"; Align-GVGD: "Class C0"). This sequence change replaces valine, which is neutral and non-polar, with alanine, which is neutral and non-polar, at codon 42 of the CPA6 protein (p.Val42Ala). This variant is not present in population databases (gnomAD no frequency). This variant has not been reported in the literature in individuals affected with CPA6-related conditions. ClinVar contains an entry for this variant (Variation ID: 539977). In summary, the available evidence is currently insufficient to determine the role of this variant in disease. Therefore, it has been classified as a Variant of Uncertain Significance.